The following is an entry in ClinVar:

NM_004621.6(TRPC6):c.285A>T (p.Leu95=)

Gene: TRPC6 (transient receptor potential cation channel subfamily C member 6; minus strand). Cytogenetic location: 11q22.1.
Variant type: single nucleotide variant.
Coding change: c.285A>T on transcript NM_004621.6 (MANE Select); coding-DNA position 285, A replaced by T.
Protein change: p.Leu95=; no amino-acid change (leucine 95 retained).
Molecular consequence: synonymous variant.
Genome position (GRCh38, 1-based): chr11:101,504,684, T>A on the plus strand (A>T on the coding strand, the complement: TRPC6 is on the minus strand). VCF-style: chr11-101504684-T-A. GRCh37 (hg19) VCF-style: chr11-101375415-T-A.
Identifiers: ClinVar variation 3055260 (VCV003055260.2), dbSNP rs1347422309, ClinGen allele CA476547198.
Genomic context (GRCh38, chr11:101,504,684, plus strand): 5'-CCGCACCACTGGGATGTTACCATATTCAGCTGCATCCAAAAAGCGTTCCTCCTCTATAGA[T>A]AGGCTTGTGGAGCGATCACTAAACATGTATGCTGGTCCTCGATTAGCTAACCTTCTCCCC-3'
Protein context (NP_004612.2, residues 85-105): AYMFSDRSTS[Leu95=]SIEEERFLDA

ClinVar aggregate classification (germline): Likely benign (0 of 4 stars; one submission).

Conditions:
TRPC6-related disorder. Also called: TRPC6-related condition.

gnomAD v4.1: 6 of 1,600,086 alleles (0.00037%); highest among the groups gnomAD compares: Non-Finnish European, 0.00051%; no homozygotes.

Submission:

PreventionGenetics, part of Exact Sciences
Classification: Likely benign for TRPC6-related condition. Last evaluated: 2023-07-24. Review status: no assertion criteria provided. Collection method: clinical testing. Allele origin: germline.
Comment: This variant is classified as likely benign based on ACMG/AMP sequence variant interpretation guidelines (Richards et al. 2015 PMID: 25741868, with internal and published modifications).